The following is an entry in ClinVar:

NM_000551.4(VHL):c.477_478insTCA (p.Lys159_Glu160insSer)

Genes: VHL (von Hippel-Lindau tumor suppressor; plus strand), LOC107303340 (3p25 von Hippel-Lindau tumor suppressor, E3 ubiquitin protein ligase Alu-mediated recombination region; plus strand). Cytogenetic location: 3p25.3.
Variant type: Insertion.
Coding change: c.477_478insTCA on transcript NM_000551.4 (MANE Select); coding-DNA positions 477 to 478, TCA inserted.
Protein change: p.Lys159_Glu160insSer.
Molecular consequence: inframe insertion. On other transcripts: 3 prime UTR variant (1), non-coding transcript variant (1).
Genome position: GRCh38 VCF-style: chr3-10149799-A-AATC. GRCh37 (hg19) VCF-style: chr3-10191483-A-AATC.
Other names: c.*31_*32insTCA (NM_001354723.2); c.354_355insTCA, p.Lys118_Glu119insSer (NM_198156.3).
Identifiers: ClinVar variation 2951826 (VCV002951826.3), dbSNP rs2470170691, ClinGen allele CA2740090900.
Genomic context (GRCh38, chr3:10,149,799, plus strand): 5'-TACTGAGACCCTAGTCTGCCACTGAGGATTTGGTTTTTGCCCTTCCAGTGTATACTCTGA[A>AATC]AGAGCGATGCCTCCAGGTTGTCCGGAGCCTAGTCAAGCCTGAGAATTACAGGAGACTGGA-3'

ClinVar aggregate classification (germline): Uncertain significance (1 of 4 stars; one submission).

Conditions:
Von Hippel-Lindau syndrome (VHLS). Also called: VHL syndrome; Von Hippel-Lindau; von Hippel–Lindau syndrome. Identifiers: Orphanet 892, MedGen C0019562, MONDO:0008667, OMIM 193300. Disease mechanism: loss of function.
Chuvash polycythemia. Also called: POLYCYTHEMIA, VHL-DEPENDENT. Identifiers: Orphanet 238557, MedGen C1837915, MONDO:0009892, OMIM 263400.

Submission:

Labcorp Genetics (formerly Invitae), Labcorp
Classification: Uncertain significance for Von Hippel-Lindau syndrome; Chuvash polycythemia. Last evaluated: 2023-09-10. Review status: criteria provided, single submitter. Criteria: Invitae Variant Classification Sherloc (09022015). Collection method: clinical testing. Allele origin: germline.
Comment: In summary, the available evidence is currently insufficient to determine the role of this variant in disease. Therefore, it has been classified as a Variant of Uncertain Significance. This variant has not been reported in the literature in individuals affected with VHL-related conditions. This variant, c.477_478insTCA, results in the insertion of 1 amino acid(s) of the VHL protein (p.Lys159_Glu160insSer), but otherwise preserves the integrity of the reading frame. This variant is not present in population databases (gnomAD no frequency).